The following is an entry in ClinVar:

NM_001267550.2(TTN):c.5477del (p.Gly1826fs)

Gene: TTN (titin; minus strand). Cytogenetic location: 2q31.2.
Variant type: Deletion.
Coding change: c.5477del on transcript NM_001267550.2 (MANE Select); coding-DNA position 5477, one base deleted (G; older notation c.5477delG).
Protein change: p.Gly1826fs; shifts the reading frame from glycine 1826.
Molecular consequence: frameshift variant.
Genome position (GRCh38, 1-based): chr2:178,776,387, C deleted on the plus strand (G on the coding strand, the reverse complement: TTN is on the minus strand); the first of 2 consecutive C bases (chr2:178,776,387-178,776,388); deleting either gives the same sequence. VCF-style (leftmost placement, unchanged base first): chr2-178776386-AC-A. GRCh37 (hg19) VCF-style: chr2-179641113-AC-A.
Other names: c.5477del, p.Gly1826fs (NM_001256850.1, NM_133378.4, NM_133379.5); c.5339del, p.Gly1780fs (NM_003319.4, NM_133432.3, NM_133437.4); short protein forms G1780fs, G1826fs.
Identifiers: ClinVar variation 1678128 (VCV001678128.4), dbSNP rs2154346135, ClinGen allele CA2573133967.

ClinVar aggregate classification (germline): Likely pathogenic. Review status: criteria provided, multiple submitters, no conflicts (2 of 4 stars). 2 submissions from 2 submitters: Likely pathogenic (2). Last evaluated 2024-01-29.

Conditions:
Dilated cardiomyopathy 1G (CMD1G). Identifiers: Orphanet 154, MedGen C1858763, MONDO:0011400, OMIM 604145.
Autosomal recessive limb-girdle muscular dystrophy type 2J (LGMDR10). Also called: Limb-girdle muscular dystrophy, type 2J; MUSCULAR DYSTROPHY, LIMB-GIRDLE, AUTOSOMAL RECESSIVE 10. Identifiers: Orphanet 140922, MedGen C1837342, MONDO:0012127, OMIM 608807.

Submissions (2):

Labcorp Genetics (formerly Invitae), Labcorp
Classification: Likely pathogenic for Dilated cardiomyopathy 1G; Autosomal recessive limb-girdle muscular dystrophy type 2J. Last evaluated: 2024-01-29. Review status: criteria provided, single submitter. Criteria: Invitae Variant Classification Sherloc (09022015). Collection method: clinical testing. Allele origin: germline.
Comment: This sequence change creates a premature translational stop signal (p.Gly1826Valfs*6) in the TTN gene. While this is not anticipated to result in nonsense mediated decay, it is expected to create a truncated TTN protein. This variant is not present in population databases (gnomAD no frequency). This variant has not been reported in the literature in individuals affected with TTN-related conditions. ClinVar contains an entry for this variant (Variation ID: 1678128). This variant is located in the Z band of TTN (PMID: 25589632). Truncating variants in this region have been reported in individuals affected with autosomal recessive centronuclear myopathy (PMID: 33449170, Invitae internal data). Truncating variants in this region have also been identified in individuals affected with autosomal dominant dilated cardiomyopathy and/or cardio-related conditions (PMID: 27869827, 32964742, Invitae internal data). In summary, the currently available evidence indicates that the variant is pathogenic, but additional data are needed to prove that conclusively. Therefore, this variant has been classified as Likely Pathogenic.

AiLife Diagnostics
Classification: Likely pathogenic. Last evaluated: 2021-11-02. Review status: criteria provided, single submitter. Criteria: ACMG Guidelines, 2015. Collection method: clinical testing. Allele origin: germline. Affected: yes. Observed: 1 variant allele.

Literature cited by the submitters: PubMed 25589632 (cited by Labcorp Genetics (formerly Invitae), Labcorp); PubMed 33449170 (cited by Labcorp Genetics (formerly Invitae), Labcorp); PubMed 27869827 (cited by Labcorp Genetics (formerly Invitae), Labcorp); PubMed 32964742 (cited by Labcorp Genetics (formerly Invitae), Labcorp).